The following is an entry in ClinVar:

ClinVar aggregate classification (germline): Likely benign (1 of 4 stars; one submission).

Allele frequency attached by ClinVar (database versions not stated): gnomAD exomes below 0.00001.

Submission:

CeGaT Center for Human Genetics Tuebingen
Classification: Likely benign. Last evaluated: 2022-06-01. Review status: criteria provided, single submitter. Criteria: CeGaT Center For Human Genetics Tuebingen Variant Classification Criteria Version 2. Collection method: clinical testing. Allele origin: germline. Affected: yes. Observed: 1 variant allele.
Comment: ZFP36L2: PM2:Supporting, BP4, BP7

NM_006887.5(ZFP36L2):c.933G>A (p.Ala311=)

Gene: ZFP36L2 (ZFP36 like 2 zinc finger CCCH-type; minus strand). Cytogenetic location: 2p21.
Variant type: single nucleotide variant.
Coding change: c.933G>A on transcript NM_006887.5 (MANE Select); coding-DNA position 933, G replaced by A.
Protein change: p.Ala311=; no amino-acid change (alanine 311 retained).
Molecular consequence: synonymous variant.
Genome position (GRCh38, 1-based): chr2:43,224,871, C>T on the plus strand (G>A on the coding strand, the complement: ZFP36L2 is on the minus strand). VCF-style: chr2-43224871-C-T. GRCh37 (hg19) VCF-style: chr2-43452010-C-T.
Identifiers: ClinVar variation 2650852 (VCV002650852.24), dbSNP rs2466077305, ClinGen allele CA425869399.